The following is an entry in ClinVar:

ClinVar aggregate classification (germline): Likely benign (1 of 4 stars; one submission).

Submission:

CeGaT Center for Human Genetics Tuebingen
Classification: Likely benign. Last evaluated: 2025-05-01. Review status: criteria provided, single submitter. Criteria: CeGaT Center For Human Genetics Tuebingen Variant Classification Criteria Version 2. Collection method: clinical testing. Allele origin: germline. Affected: yes. Observed: 1 variant allele.
Comment: KIF26A: BP4, BP7

NM_015656.2(KIF26A):c.315C>T (p.Leu105=)

Gene: KIF26A (kinesin family member 26A; plus strand). Cytogenetic location: 14q32.33.
Variant type: single nucleotide variant.
Coding change: c.315C>T on transcript NM_015656.2 (MANE Select); coding-DNA position 315, C replaced by T.
Protein change: p.Leu105=; no amino-acid change (leucine 105 retained).
Molecular consequence: synonymous variant.
Genome position (GRCh38, 1-based): chr14:104,152,041, C>T. VCF-style: chr14-104152041-C-T. GRCh37 (hg19) VCF-style: chr14-104618378-C-T.
Identifiers: ClinVar variation 3905354 (VCV003905354.10).